The following is an entry in ClinVar:

ClinVar aggregate classification (germline): Conflicting classifications of pathogenicity. Review status: criteria provided, conflicting classifications (1 of 4 stars). 8 submissions from 8 submitters: Pathogenic (3); Likely pathogenic (2); Uncertain significance (2). 1 of the submissions does not count toward it. Last evaluated 2025-07-28.

Conditions:
CFTR-related disorder (CFTR-RD). Also called: CFTR-related condition; CFTR-related disorders. Identifiers: MedGen C5924204, MONDO:7770004.
Cystic fibrosis (CF). Also called: MUCOVISCIDOSIS. Identifiers: Orphanet 586, MedGen C0010674, MONDO:0009061, OMIM 219700. Disease mechanism: loss of function.
Congenital bilateral aplasia of vas deferens from CFTR mutation (CBAVD). Identifiers: Orphanet 48, MedGen C0403814, MONDO:0010178, OMIM 277180. Disease mechanism: loss of function.

Allele frequency attached by ClinVar (database versions not stated): gnomAD exomes below 0.00001; ExAC 0.00001.
gnomAD v4.1: 1 of 1,613,296 alleles (0.000062%); highest among the groups gnomAD compares: Non-Finnish European, 0.000085%; no homozygotes.

Submissions (8):

First Genomix Gene Laboratory, Genetic Diagnostics Department
Classification: Likely pathogenic for Congenital bilateral aplasia of vas deferens from CFTR mutation; Cystic fibrosis. Last evaluated: 2025-07-28. Review status: criteria provided, single submitter. Criteria: ACMG Guidelines, 2015. Collection method: clinical testing. Allele origin: germline. Inheritance: Autosomal recessive inheritance. Affected: no. Observed: 1 variant allele.

Mendelics
Classification: Likely pathogenic for Cystic fibrosis. Last evaluated: 2025-03-20. Review status: criteria provided, single submitter. Criteria: ACMG Guidelines, 2015. Collection method: clinical testing. Allele origin: unknown.
Comment: VarIant NM_000492.4(CFTR):c.3872A>G (p.Gln1291Arg) has GnomAD 4.1 frequency of 6.198e-7 with 0 homozygote. Reported as likely pathogenic in PMID 29805046

Natera, Inc.
Classification: Pathogenic for CFTR-related disorders. Last evaluated: 2025-02-28. Review status: criteria provided, single submitter. Criteria: Natera Variant Classification Schema (03/2026). Collection method: clinical testing. Allele origin: germline.
Comment: The c.3872A>G variant in CFTR is a missense variant predicted to cause substitution of glutamine to arginine at amino acid 1291. This variant is rare in the general population with a frequency below the threshold expected for the associated phenotype(s). This variant has been observed in one or more individuals affected with the associated recessive disease, as either homozygous or compound heterozygous with a second variant (PMID: 25910067, 7525450, 30577776). Additionally, this variant has been observed to segregate in affected family members (PMID: 30577776). A different variant at the same position has been determined to be Pathogenic or Likely Pathogenic. Computational prediction algorithms indicate this variant is likely to affect gene or protein function. Given the available evidence, this variant is classified as Pathogenic.

Ambry Genetics
Classification: Uncertain significance for Cystic fibrosis. Last evaluated: 2024-09-12. Review status: criteria provided, single submitter. Criteria: Ambry Variant Classification Scheme 2023. Collection method: clinical testing. Allele origin: germline.
Comment: The p.Q1291R variant (also known as c.3872A>G), located in coding exon 23 of the CFTR gene, results from an A to G substitution at nucleotide position 3872. The glutamine at codon 1291 is replaced by arginine, an amino acid with highly similar properties. This variant was identified in conjunction with p.F508del in an individual with pancreatic insufficient cystic fibrosis (CF) (D&ouml;rk T et al. Hum. Genet., 1994 Nov;94:533-42). In a cohort of individuals with CF and CFTR-related disorders, this variant was detected in the homozygous state; however, clinical information was not provided (Trujillano D et al. Mol Genet Genomic Med, 2015 Sep;3:396-403). This variant was also detected in conjunction with p.F508del in an individual with abnormal newborn screening, equivocal sweat chloride results, and an abnormal nasal potential difference (Sermet-Gaudelus I et al. Thorax, 2010 Jun;65:539-44). It was the only variant identified in an individual with congenital bilateral absence of the vas deferens (Bienvenu T et al. Hum. Genet., 1995 Jun;95:698-702). Analysis of a rectal biopsy from an individual with this variant demonstrated aberrant splicing from the Q1291R allele due to use of a cryptic splice site and resulting in the inclusion of 29 base pairs and predicted to create a premature stop codon (Jones CT et al. Hum. Mol. Genet., 1992 Apr;1:11-7). Functional analysis of this variant in CFBE cells demonstrated 62% activity compared to wild type (Raraigh KS et al. Am. J. Hum. Genet., 2018 Jun;102:1062-1077). The p.Q1291R alteration has been reported as a variant of varying clinical consequences (VVCC) (Sosnay PR et al. Pediatr. Clin. North Am., 2016 08;63:585-98; Raraigh KS et al. Am. J. Hum. Genet., 2018 Jun;102:1062-1077). This amino acid position is highly conserved in available vertebrate species. In addition, this alteration is predicted to be deleterious by in silico analysis. Based on the available evidence, the clinical significance of this variant remains unclear.

Women's Health and Genetics/Laboratory Corporation of America, LabCorp
Classification: Pathogenic for Cystic fibrosis. Last evaluated: 2023-05-15. Review status: criteria provided, single submitter. Criteria: LabCorp Variant Classification Summary - May 2015. Collection method: clinical testing. Allele origin: germline.
Comment: Variant summary: CFTR c.3872A>G (p.Gln1291Arg) results in a conservative amino acid change located in the ABC transporter-like, ATP-binding domain (IPR003439) of the encoded protein sequence. Three of five in-silico tools predict a damaging effect of the variant on protein function. 4/4 computational tools predict no significant impact on normal splicing. However, these splicing predictions have yet to be confirmed by functional studies. The variant allele was found at a frequency of 4e-06 in 250580 control chromosomes (gnomAD). c.3872A>G has been reported in the literature as a compound heterozygous genotype in multiple individuals affected with Cystic Fibrosis (e.g. Doerk_1994, Lucarelli_2015). These data indicate that the variant is very likely to be associated with disease. Functional assays using CFTR deficient Bronchial Epithelial cells showed the variant had 62.3% residual activity, with the authors concluding the variant had varying clinical consequences (Rareigh_2018). The following publications have been ascertained in the context of this evaluation (PMID: 7525450, 25910067, 29805046). Four ClinVar submitters have assessed the variant since 2014: three classified the variant as uncertain significance and one as pathogenic. Based on the evidence outlined above, the variant was classified as pathogenic.

Quest Diagnostics Nichols Institute San Juan Capistrano
Classification: Uncertain significance. Last evaluated: 2016-08-02. Review status: criteria provided, single submitter. Criteria: Quest Diagnostics criteria. Collection method: clinical testing. Allele origin: germline.

CFTR-France
Classification: Pathogenic for cystic fibrosis; CFTR-related disorders. Last evaluated: 2015-07-24. Review status: criteria provided, single submitter. Criteria: Claustres M et al. (Hum Mutat 2017). Collection method: curation. Allele origin: germline. Affected: yes.
Comment: when the variant is in trans with another CF-causing variation, can either result in CF or in a CFTR-RD

Counsyl
Classification: Uncertain significance for Cystic fibrosis. Last evaluated: 2017-04-21. Review status: no assertion criteria provided. Collection method: clinical testing. Allele origin: unknown. Not counted in ClinVar's aggregate classification.

Literature cited by the submitters: PubMed 29805046 (cited by 3 submitters); PubMed 25910067 (cited by Natera, Inc. and Women's Health and Genetics/Laboratory Corporation of America, LabCorp); PubMed 7525450 (cited by 5 submitters); PubMed 30577776 (cited by Natera, Inc.); PubMed 11788611 (cited by Ambry Genetics and Quest Diagnostics Nichols Institute San Juan Capistrano); PubMed 1284466 (cited by Ambry Genetics and Quest Diagnostics Nichols Institute San Juan Capistrano); PubMed 20522854 (cited by Ambry Genetics and Quest Diagnostics Nichols Institute San Juan Capistrano); PubMed 26436105 (cited by Ambry Genetics and Quest Diagnostics Nichols Institute San Juan Capistrano); PubMed 7540587 (cited by Ambry Genetics and Quest Diagnostics Nichols Institute San Juan Capistrano).

NM_000492.4(CFTR):c.3872A>G (p.Gln1291Arg)

Genes: CFTR (CF transmembrane conductance regulator; plus strand), CFTR-AS2 (CFTR antisense RNA 2; minus strand). Cytogenetic location: 7q31.2.
Variant type: single nucleotide variant.
Coding change: c.3872A>G on transcript NM_000492.4 (MANE Select); coding-DNA position 3872, A replaced by G.
Protein change: p.Gln1291Arg; replaces glutamine 1291 with arginine.
Molecular consequence: missense variant.
Genome position (GRCh38, 1-based): chr7:117,642,592, A>G. VCF-style: chr7-117642592-A-G. GRCh37 (hg19) VCF-style: chr7-117282646-A-G.
Other names: short protein forms Q1291R.
Identifiers: ClinVar variation 53827 (VCV000053827.11), dbSNP rs397508621, ClinGen allele CA327316.
Genomic context (GRCh38, chr7:117,642,592, plus strand): 5'-GTGTGTCTTGGGATTCAATAACTTTGCAACAGTGGAGGAAAGCCTTTGGAGTGATACCAC[A>G]GGTGAGCAAAAGGACTTAGCCAGAAAAAAGGCAACTAAATTATATTTTTTACTGCTATTT-3'
Protein context (NP_000483.3, residues 1281-1301): QWRKAFGVIP[Gln1291Arg]KVFIFSGTFR